The following is an entry in ClinVar:

ClinVar aggregate classification (germline): Conflicting classifications of pathogenicity. Review status: criteria provided, conflicting classifications (1 of 4 stars). 6 submissions from 6 submitters: Uncertain significance (5); Likely benign (1). Last evaluated 2026-09-30.

Conditions:
Autosomal recessive limb-girdle muscular dystrophy type R18 (LGMDR18). Also called: Autosomal recessive limb-girdle muscular dystrophy type 2S; Limb-girdle muscular dystrophy, type 2S; MUSCULAR DYSTROPHY, LIMB-GIRDLE, AUTOSOMAL RECESSIVE 18. Identifiers: Orphanet 369840, MedGen C4517996, MONDO:0014144, OMIM 615356.

Allele frequency attached by ClinVar (database versions not stated): ESP Exome Variant Server 0.00046; gnomAD 0.00057 and 0.00058; TOPMed 0.00063; gnomAD exomes 0.00089; 1000 Genomes Project 0.00100; 1000 Genomes Project 30x 0.00125.
gnomAD v4.1: 1,361 of 1,612,098 alleles (0.084%); highest among the groups gnomAD compares: Non-Finnish European, 0.1%; no homozygotes.

Submissions (7):

GeneDx
Classification: Uncertain significance. Last evaluated: 2026-09-30. Review status: criteria provided, single submitter. Criteria: GeneDx Variant Classification Process June 2021. Collection method: clinical testing. Allele origin: germline.
Comment: Reported in the father of a patient with suspected neotenic complex syndrome, however further information about this family was not provided (PMID: 29758565); In silico analysis supports that this missense variant has a deleterious effect on protein structure/function; This variant is associated with the following publications: (PMID: 29758565)

Labcorp Genetics (formerly Invitae), Labcorp
Classification: Likely benign for Autosomal recessive limb-girdle muscular dystrophy type R18. Last evaluated: 2026-01-28. Review status: criteria provided, single submitter. Criteria: Invitae Variant Classification Sherloc (09022015). Collection method: clinical testing. Allele origin: germline.

Blueprint Genetics
Classification: Uncertain significance. Last evaluated: 2024-10-18. Review status: criteria provided, single submitter. Criteria: ACMG Guidelines, 2015. Collection method: clinical testing. Allele origin: germline.

Athena Diagnostics
Classification: Uncertain significance. Last evaluated: 2024-06-03. Review status: criteria provided, single submitter. Criteria: Athena Diagnostics Criteria. Collection method: clinical testing. Allele origin: unknown.

Mayo Clinic Laboratories, Mayo Clinic
Classification: Uncertain significance. Last evaluated: 2024-01-22. Review status: criteria provided, single submitter. Criteria: ACMG Guidelines, 2015. Collection method: clinical testing. Allele origin: germline. Observed: 1 variant allele.

CeGaT Center for Human Genetics Tuebingen
Classification: Uncertain significance. Last evaluated: 2021-06-01. Review status: criteria provided, single submitter. Criteria: CeGaT Center For Human Genetics Tuebingen Variant Classification Criteria Version 2. Collection method: clinical testing. Allele origin: germline. Affected: yes. Observed: 2 variant alleles.

Dr. Peter K. Rogan Lab, Western University
No classification provided (evidence only). Condition: Gastric cancer. Review status: no classification provided. Collection method: in vitro. Allele origin: not applicable. Functional consequence: retained intron. Not counted in ClinVar's aggregate classification.

Literature cited by the submitters: PubMed 29758565 (cited by Athena Diagnostics).

NM_021942.6(TRAPPC11):c.931C>G (p.Leu311Val)

Gene: TRAPPC11 (trafficking protein particle complex subunit 11; plus strand). Cytogenetic location: 4q35.1.
Variant type: single nucleotide variant.
Coding change: c.931C>G on transcript NM_021942.6 (MANE Select); coding-DNA position 931, C replaced by G.
Protein change: p.Leu311Val; replaces leucine 311 with valine.
Molecular consequence: missense variant.
Genome position (GRCh38, 1-based): chr4:183,679,452, C>G. VCF-style: chr4-183679452-C-G. GRCh37 (hg19) VCF-style: chr4-184600605-C-G.
Other names: c.931C>G, p.Leu311Val (NM_199053.3); short protein forms L311V.
Identifiers: ClinVar variation 448702 (VCV000448702.62), dbSNP rs148833310, ClinGen allele CA3151746.
Genomic context (GRCh38, chr4:183,679,452, plus strand): 5'-GCAATTGCTCAGTTCCGAAAACACATCGACTTGTGTAAGAAAAAGATTGGAAGTGCAGAG[C>G]TGTCTTTTGAGCATGATGCATGGATGTCTAAACAGTATGTTTTACATTGTCCTTTTAGAA-3'
Protein context (NP_068761.4, residues 301-321): LCKKKIGSAE[Leu311Val]SFEHDAWMSK